The following is an entry in ClinVar:

NM_133497.4(KCNV2):c.318C>A (p.His106Gln)

Gene: KCNV2 (potassium voltage-gated channel modifier subfamily V member 2; plus strand). Cytogenetic location: 9p24.2.
Variant type: single nucleotide variant.
Coding change: c.318C>A on transcript NM_133497.4 (MANE Select); coding-DNA position 318, C replaced by A.
Protein change: p.His106Gln; replaces histidine 106 with glutamine.
Molecular consequence: missense variant.
Genome position (GRCh38, 1-based): chr9:2,718,057, C>A. VCF-style: chr9-2718057-C-A. GRCh37 (hg19) VCF-style: chr9-2718057-C-A.
Other names: short protein forms H106Q.
Identifiers: ClinVar variation 1715538 (VCV001715538.5), dbSNP rs773664901, ClinGen allele CA4965407.

ClinVar aggregate classification (germline): Uncertain significance (1 of 4 stars; one submission).

Allele frequency attached by ClinVar (database versions not stated): ExAC 0.00001.
gnomAD v4.1: 3 of 1,607,320 alleles (0.00019%); highest among the groups gnomAD compares: South Asian, 0.0011%; no homozygotes.

Submission:

Labcorp Genetics (formerly Invitae), Labcorp
Classification: Uncertain significance. Last evaluated: 2023-11-06. Review status: criteria provided, single submitter. Criteria: Invitae Variant Classification Sherloc (09022015). Collection method: clinical testing. Allele origin: germline.
Comment: This sequence change replaces histidine, which is basic and polar, with glutamine, which is neutral and polar, at codon 106 of the KCNV2 protein (p.His106Gln). The frequency data for this variant in the population databases is considered unreliable, as metrics indicate poor data quality at this position in the gnomAD database. This variant has not been reported in the literature in individuals affected with KCNV2-related conditions. ClinVar contains an entry for this variant (Variation ID: 1715538). Advanced modeling of protein sequence and biophysical properties (such as structural, functional, and spatial information, amino acid conservation, physicochemical variation, residue mobility, and thermodynamic stability) performed at Invitae indicates that this missense variant is not expected to disrupt KCNV2 protein function with a negative predictive value of 80%. In summary, the available evidence is currently insufficient to determine the role of this variant in disease. Therefore, it has been classified as a Variant of Uncertain Significance.